The following is an entry in ClinVar:

NC_000010.10:g.(124221641_124248417)_(124274424_?)dup

Gene: HTRA1 (HtrA serine peptidase 1; plus strand). Cytogenetic location: 10q26.13.
Variant type: Duplication.
Identifiers: ClinVar variation 3896262 (VCV003896262.2).

ClinVar aggregate classification (germline): Uncertain significance (1 of 4 stars; one submission).

Submission:

Women's Health and Genetics/Laboratory Corporation of America, LabCorp
Classification: Uncertain significance. Last evaluated: 2025-04-15. Review status: criteria provided, single submitter. Criteria: LabCorp Variant Classification Summary - May 2015. Collection method: clinical testing. Allele origin: germline.
Comment: Variant summary: The variant involves the duplication of exons 2-9 in the HTRA1 gene. The exact breakpoint at the 3' end of this variant is unknown, therefore this duplication may extend downstream of the annotated region of the gene. As it duplicates the termination codon, its effect on the encoded protein is unknown. A presumed nomenclature of c.(472+1_473-1)_(*549_?)dup has been designated for the purposes of this classification. Similar variant allele was found at a frequency of 9.2e-05 in 21694 control chromosomes. The available data on variant occurrences in the general population are insufficient to allow any conclusion about variant significance. To our knowledge, no occurrence of c.(472+1_473-1)_(*549_?)dup in individuals affected with CARASIL syndrome and no experimental evidence demonstrating its impact on protein function have been reported. No submitters have cited clinical-significance assessments for this variant to ClinVar. Based on the evidence outlined above, the variant was classified as uncertain significance.